The following is an entry in ClinVar:

NM_005257.6(GATA6):c.155G>C (p.Arg52Pro)

Gene: GATA6 (GATA binding protein 6; plus strand). Cytogenetic location: 18q11.2.
Variant type: single nucleotide variant.
Coding change: c.155G>C on transcript NM_005257.6 (MANE Select); coding-DNA position 155, G replaced by C.
Protein change: p.Arg52Pro; replaces arginine 52 with proline.
Molecular consequence: missense variant.
Genome position (GRCh38, 1-based): chr18:22,171,299, G>C. VCF-style: chr18-22171299-G-C. GRCh37 (hg19) VCF-style: chr18-19751260-G-C.
Other names: short protein forms R52P.
Identifiers: ClinVar variation 646819 (VCV000646819.10), dbSNP rs541150137, ClinGen allele CA8908828.

ClinVar aggregate classification (germline): Uncertain significance (1 of 4 stars; one submission).

Conditions:
Atrioventricular septal defect 5 (AVSD5). Identifiers: MedGen C3280939, MONDO:0013769, OMIM 614474.

Allele frequency attached by ClinVar (database versions not stated): ExAC 0.00003; 1000 Genomes Project 30x 0.00016; 1000 Genomes Project 0.00020.
gnomAD v4.1: 7 of 1,592,158 alleles (0.00044%); highest among the groups gnomAD compares: East Asian, 0.0022%; no homozygotes.

Submission:

Labcorp Genetics (formerly Invitae), Labcorp
Classification: Uncertain significance for Atrioventricular septal defect 5. Last evaluated: 2024-06-19. Review status: criteria provided, single submitter. Criteria: Invitae Variant Classification Sherloc (09022015). Collection method: clinical testing. Allele origin: germline.
Comment: This sequence change replaces arginine, which is basic and polar, with proline, which is neutral and non-polar, at codon 52 of the GATA6 protein (p.Arg52Pro). This variant is present in population databases (rs541150137, gnomAD 0.02%). This variant has not been reported in the literature in individuals affected with GATA6-related conditions. ClinVar contains an entry for this variant (Variation ID: 646819). An algorithm developed to predict the effect of missense changes on protein structure and function (PolyPhen-2) suggests that this variant is likely to be disruptive. In summary, the available evidence is currently insufficient to determine the role of this variant in disease. Therefore, it has been classified as a Variant of Uncertain Significance.